The following is an entry in ClinVar:

NM_014989.7(RIMS1):c.4367-5G>C

Gene: RIMS1 (regulating synaptic membrane exocytosis 1; plus strand). Cytogenetic location: 6q13.
Variant type: single nucleotide variant.
Coding change: c.4367-5G>C on transcript NM_014989.7 (MANE Select); 5 bases into the intron before coding-DNA position 4367, G replaced by C.
Molecular consequence: intron variant.
Genome position (GRCh38, 1-based): chr6:72,390,593, G>C. VCF-style: chr6-72390593-G-C. GRCh37 (hg19) VCF-style: chr6-73100295-G-C.
Other names: c.1745-5G>C (NM_001350428.2); c.2189-5G>C (NM_001350459.2); c.1673-5G>C (NM_001350424.2); c.2270-5G>C (NM_001350437.2); c.1742-5G>C (NM_001350430.2, NM_001168408.2); c.2186-5G>C (NM_001350421.2); c.1670-5G>C (NM_001350450.2); c.2336-5G>C (NM_001350458.2); and 54 more.
Identifiers: ClinVar variation 1588519 (VCV001588519.11), dbSNP rs371247831, ClinGen allele CA3886504.

ClinVar aggregate classification (germline): Likely benign. Review status: criteria provided, multiple submitters, no conflicts (2 of 4 stars). 3 submissions from 3 submitters: Likely benign (3). Last evaluated 2026-04-01.

Allele frequency attached by ClinVar (database versions not stated): gnomAD 0.00005 and 0.00006; TOPMed 0.00006; ESP Exome Variant Server 0.00008.
gnomAD v4.1: 157 of 1,610,378 alleles (0.0097%); highest among the groups gnomAD compares: Admixed American, 0.032%; no homozygotes.

Submissions (3):

CeGaT Center for Human Genetics Tuebingen
Classification: Likely benign. Last evaluated: 2026-04-01. Review status: criteria provided, single submitter. Criteria: CeGaT Center For Human Genetics Tuebingen Variant Classification Criteria Version 2. Collection method: clinical testing. Allele origin: germline. Affected: yes. Observed: 1 variant allele.
Comment: RIMS1: BP4

Labcorp Genetics (formerly Invitae), Labcorp
Classification: Likely benign. Last evaluated: 2025-11-26. Review status: criteria provided, single submitter. Criteria: Invitae Variant Classification Sherloc (09022015). Collection method: clinical testing. Allele origin: germline.

Blueprint Genetics
Classification: Likely benign. Last evaluated: 2024-06-19. Review status: criteria provided, single submitter. Criteria: ACMG Guidelines, 2015. Collection method: clinical testing. Allele origin: germline.